The following is an entry in ClinVar:

ClinVar aggregate classification (germline): Likely benign. Review status: criteria provided, multiple submitters, no conflicts (2 of 4 stars). 5 submissions from 5 submitters: Likely benign (5). Last evaluated 2025-07-01.

Conditions:
Inborn genetic diseases. Identifiers: MedGen C0950123, MeSH D030342.

Allele frequency attached by ClinVar (database versions not stated): gnomAD 0.00002 and 0.00003; gnomAD exomes 0.00002 and 0.00004; TOPMed 0.00002; ExAC 0.00007.
gnomAD v4.1: 36 of 1,613,730 alleles (0.0022%); highest among the groups gnomAD compares: South Asian, 0.029%; no homozygotes.

Submissions (5):

CeGaT Center for Human Genetics Tuebingen
Classification: Likely benign. Last evaluated: 2025-07-01. Review status: criteria provided, single submitter. Criteria: CeGaT Center For Human Genetics Tuebingen Variant Classification Criteria Version 2. Collection method: clinical testing. Allele origin: germline. Affected: yes. Observed: 1 variant allele.
Comment: ARID1B: BP4, BP7

Labcorp Genetics (formerly Invitae), Labcorp
Classification: Likely benign. Last evaluated: 2024-03-27. Review status: criteria provided, single submitter. Criteria: Invitae Variant Classification Sherloc (09022015). Collection method: clinical testing. Allele origin: germline.

Blueprint Genetics
Classification: Likely benign. Last evaluated: 2022-08-12. Review status: criteria provided, single submitter. Criteria: ACMG Guidelines, 2015. Collection method: clinical testing. Allele origin: germline.

Genetic Services Laboratory, University of Chicago
Classification: Likely benign. Last evaluated: 2019-01-17. Review status: criteria provided, single submitter. Criteria: ACMG Guidelines, 2015. Collection method: clinical testing. Allele origin: germline. Affected: no.

Ambry Genetics
Classification: Likely benign for Inborn genetic diseases. Last evaluated: 2017-05-26. Review status: criteria provided, single submitter. Criteria: Ambry Variant Classification Scheme 2023. Collection method: clinical testing. Allele origin: germline.

NM_001374828.1(ARID1B):c.5028G>A (p.Ala1676=)

Gene: ARID1B (AT-rich interaction domain 1B; plus strand). Cytogenetic location: 6q25.3.
Variant type: single nucleotide variant.
Coding change: c.5028G>A on transcript NM_001374828.1 (MANE Select); coding-DNA position 5028, G replaced by A.
Protein change: p.Ala1676=; no amino-acid change (alanine 1676 retained).
Molecular consequence: synonymous variant.
Genome position (GRCh38, 1-based): chr6:157,201,253, G>A. VCF-style: chr6-157201253-G-A. GRCh37 (hg19) VCF-style: chr6-157522387-G-A.
Other names: c.4659G>A, p.Ala1553= (NM_020732.3); c.2529G>A, p.Ala843= (NM_001363725.2); c.4908G>A, p.Ala1636= (NM_001371656.1, NM_001374820.1); c.4869G>A, p.Ala1623= (NM_017519.3).
Identifiers: ClinVar variation 589098 (VCV000589098.21), dbSNP rs776881575, ClinGen allele CA4067749.